The following is an entry in ClinVar:

ClinVar aggregate classification (germline): Pathogenic (1 of 4 stars; one submission).

Conditions:
Tuberous sclerosis 2 (TSC2). Identifiers: Orphanet 805, MedGen C1860707, MONDO:0013199, OMIM 613254.

Allele frequency attached by ClinVar (database versions not stated): gnomAD exomes below 0.00001.

Submission:

Labcorp Genetics (formerly Invitae), Labcorp
Classification: Pathogenic for Tuberous sclerosis 2. Last evaluated: 2025-08-21. Review status: criteria provided, single submitter. Criteria: Invitae Variant Classification Sherloc (09022015). Collection method: clinical testing. Allele origin: germline.
Comment: This sequence change replaces threonine, which is neutral and polar, with lysine, which is basic and polar, at codon 147 of the TSC2 protein (p.Thr147Lys). This variant is not present in population databases (gnomAD no frequency). This missense change has been observed in individual(s) with tuberous sclerosis (PMID: 31799751). In at least one individual the variant was observed to be de novo. ClinVar contains an entry for this variant (Variation ID: 535892). Invitae Evidence Modeling of protein sequence and biophysical properties (such as structural, functional, and spatial information, amino acid conservation, physicochemical variation, residue mobility, and thermodynamic stability) has been performed for this missense variant. However, the output from this modeling did not meet the statistical confidence thresholds required to predict the impact of this variant on TSC2 protein function. Experimental studies have shown that this missense change affects TSC2 function (PMID: 31799751). This variant disrupts the p.Thr147 amino acid residue in TSC2. Other variant(s) that disrupt this residue have been observed in individuals with TSC2-related conditions (PMID: 27859028), which suggests that this may be a clinically significant amino acid residue. For these reasons, this variant has been classified as Pathogenic.

Literature cited by the submitters: PubMed 31799751; PubMed 27859028.

NM_000548.5(TSC2):c.440C>A (p.Thr147Lys)

Gene: TSC2 (TSC complex subunit 2; plus strand). Cytogenetic location: 16p13.3.
Variant type: single nucleotide variant.
Coding change: c.440C>A on transcript NM_000548.5 (MANE Select); coding-DNA position 440, C replaced by A.
Protein change: p.Thr147Lys; replaces threonine 147 with lysine.
Molecular consequence: missense variant. On other transcripts: intron variant (1).
Genome position (GRCh38, 1-based): chr16:2,054,399, C>A. VCF-style: chr16-2054399-C-A. GRCh37 (hg19) VCF-style: chr16-2104400-C-A.
Other names: c.440C>A, p.Thr147Lys (NM_001077183.3, NM_001114382.3, NM_001363528.2 and 3 more transcripts); c.329C>A, p.Thr110Lys (NM_001318827.2); c.293C>A, p.Thr98Lys (NM_001318829.2); c.473C>A, p.Thr158Lys (NM_001318832.2); c.-1-1797C>A (NM_001318831.2); short protein forms T147K, T158K, T98K, T110K.
Identifiers: ClinVar variation 535892 (VCV000535892.8), dbSNP rs1555497690, ClinGen allele CA394308347.